The following is an entry in ClinVar:

NM_002941.4(ROBO1):c.1005G>C (p.Met335Ile)

Gene: ROBO1 (roundabout guidance receptor 1; minus strand). Cytogenetic location: 3p12.3.
Variant type: single nucleotide variant.
Coding change: c.1005G>C on transcript NM_002941.4 (MANE Select); coding-DNA position 1005, G replaced by C.
Protein change: p.Met335Ile; replaces methionine 335 with isoleucine.
Molecular consequence: missense variant.
Genome position (GRCh38, 1-based): chr3:78,714,437, C>G on the plus strand (G>C on the coding strand, the complement: ROBO1 is on the minus strand). VCF-style: chr3-78714437-C-G. GRCh37 (hg19) VCF-style: chr3-78763587-C-G.
Other names: c.888G>C, p.Met296Ile (NM_001145844.1, NM_001145845.2, NM_133631.4); short protein forms M296I, M335I.
Identifiers: ClinVar variation 2632942 (VCV002632942.1), dbSNP rs2081847407, ClinGen allele CA353661625.

ClinVar aggregate classification (germline): Uncertain significance (1 of 4 stars; one submission).

Conditions:
ROBO1-related disorder. Also called: ROBO1-related condition.

gnomAD v4.1: 1 of 1,613,190 alleles (0.000062%); highest among the groups gnomAD compares: Non-Finnish European, 0.000085%; no homozygotes.

Submission:

PreventionGenetics, part of Exact Sciences
Classification: Uncertain significance for ROBO1-related condition. Last evaluated: 2023-06-13. Review status: criteria provided, single submitter. Criteria: ACMG Guidelines, 2015. Collection method: clinical testing. Allele origin: germline.
Comment: The ROBO1 c.1005G>C variant is predicted to result in the amino acid substitution p.Met335Ile. To our knowledge, this variant has not been reported in the literature or in a large population database, indicating this variant is rare. At this time, the clinical significance of this variant is uncertain due to the absence of conclusive functional and genetic evidence.